The following is an entry in ClinVar:

NC_000019.9:g.(?_55644283)_(55668957_?)dup

Genes: TNNI3 (troponin I3, cardiac type; minus strand), TNNT1 (troponin T1, slow skeletal type; minus strand). Cytogenetic location: 19q13.42.
Variant type: Duplication.
Identifiers: ClinVar variation 2424667 (VCV002424667.6).

ClinVar aggregate classification (germline): Uncertain significance (1 of 4 stars; one submission).

Conditions:
Nemaline myopathy 5 (NEM5A). Also called: NEMALINE MYOPATHY, AMISH TYPE; NEMALINE MYOPATHY 5A, AUTOSOMAL RECESSIVE, SEVERE INFANTILE; Nemaline myopathy 5, Amish type. Identifiers: Orphanet 98902, MedGen C1854380, MONDO:0011539, OMIM 605355.

Submission:

Labcorp Genetics (formerly Invitae), Labcorp
Classification: Uncertain significance for Nemaline myopathy 5. Last evaluated: 2022-06-27. Review status: criteria provided, single submitter. Criteria: Invitae Variant Classification Sherloc (09022015). Collection method: clinical testing. Allele origin: germline.
Comment: A copy number gain of the genomic region encompassing the full coding sequence of the TNNT1 gene has been identified. The boundaries of this event are unknown as they extend beyond the assayed region for this gene and therefore may encompass additional genes. As the precise location of this event is unknown, it may be in tandem or it may be located elsewhere in the genome. This variant has not been reported in the literature in individuals affected with TNNT1-related conditions. In summary, the available evidence is currently insufficient to determine the role of this variant in disease. Therefore, it has been classified as a Variant of Uncertain Significance.